The following is an entry in ClinVar:

NM_006941.4(SOX10):c.169G>A (p.Glu57Lys)

Genes: POLR2F (RNA polymerase II, I and III subunit F; plus strand), SOX10 (SRY-box transcription factor 10; minus strand). Cytogenetic location: 22q13.1.
Variant type: single nucleotide variant.
Coding change: c.169G>A on transcript NM_006941.4 (MANE Select); coding-DNA position 169, G replaced by A.
Protein change: p.Glu57Lys; replaces glutamic acid 57 with lysine.
Molecular consequence: missense variant. On other transcripts: intron variant (3).
Genome position (GRCh38, 1-based): chr22:37,983,616, C>T on the plus strand (G>A on the coding strand, the complement: SOX10 is on the minus strand). VCF-style: chr22-37983616-C-T. GRCh37 (hg19) VCF-style: chr22-38379623-C-T.
Other names: c.*38+11306C>T (NM_001363825.1); c.294-2538C>T (NM_001301130.2); c.293+16446C>T (NM_001301131.2); short protein forms E57K.
Identifiers: ClinVar variation 1395951 (VCV001395951.10), dbSNP rs377075961, ClinGen allele CA10228721.

ClinVar aggregate classification (germline): Conflicting classifications of pathogenicity. Review status: criteria provided, conflicting classifications (1 of 4 stars). 2 submissions from 2 submitters: Uncertain significance (1); Likely benign (1). Last evaluated 2026-04-29.

Allele frequency attached by ClinVar (database versions not stated): gnomAD 0.00004; gnomAD exomes 0.00004; TOPMed 0.00002; ExAC 0.00006; ESP Exome Variant Server 0.00015.
gnomAD v4.1: 46 of 1,606,072 alleles (0.0029%); highest among the groups gnomAD compares: Non-Finnish European, 0.0037%; no homozygotes.

Submissions (2):

GeneDx
Classification: Uncertain significance. Last evaluated: 2026-04-29. Review status: criteria provided, single submitter. Criteria: GeneDx Variant Classification Process June 2021. Collection method: clinical testing. Allele origin: germline.
Comment: In silico analysis suggests that this missense variant does not alter protein structure/function; Has not been previously published as pathogenic or benign to our knowledge

Labcorp Genetics (formerly Invitae), Labcorp
Classification: Likely benign. Last evaluated: 2024-02-20. Review status: criteria provided, single submitter. Criteria: Invitae Variant Classification Sherloc (09022015). Collection method: clinical testing. Allele origin: germline.